The following is an entry in ClinVar:

ClinVar aggregate classification (germline): Uncertain significance. Review status: criteria provided, multiple submitters, no conflicts (2 of 4 stars). 2 submissions from 2 submitters: Uncertain significance (2). Last evaluated 2021-07-14.

Conditions:
Growth hormone insensitivity syndrome with immune dysregulation 2, autosomal dominant. Identifiers: MedGen C5436546, MONDO:0100219, OMIM 618985.
Growth hormone insensitivity with immune dysregulation 1, autosomal recessive. Also called: GROWTH HORMONE INSENSITIVITY DUE TO POSTRECEPTOR DEFECT; LARON SYNDROME DUE TO POSTRECEPTOR DEFECT; GROWTH HORMONE INSENSITIVITY SYNDROME WITH IMMUNE DYSREGULATION 1, AUTOSOMAL RECESSIVE; Laron syndrome with immunodeficiency. Identifiers: Orphanet 220465, MedGen C5435698, MONDO:0100211, OMIM 245590.

Allele frequency attached by ClinVar (database versions not stated): gnomAD 0.00001; gnomAD exomes 0.00001 and 0.00002; TOPMed 0.00001; ExAC 0.00002.
gnomAD v4.1: 32 of 1,610,054 alleles (0.002%); highest among the groups gnomAD compares: Non-Finnish European, 0.0025%; no homozygotes.

Submissions (2):

Illumina Laboratory Services, Illumina
Classification: Uncertain significance for Growth hormone insensitivity syndrome with immune dysregulation 2, autosomal dominant. Last evaluated: 2021-07-14. Review status: criteria provided, single submitter. Criteria: ICSLVariantClassificationCriteria RUGD 01 April 2020. Collection method: clinical testing. Allele origin: unknown.
Comment: The STAT5B c.638C>G (p.Ala213Gly) variant is a missense variant. A literature search was performed for the gene, cDNA change, and amino acid change. No publications were found based on this search. The p.Ala213Gly variant is reported at a frequency of 0.000018 in the European (non-Finnish) population of the Genome Aggregation Database version 2.1.1, though this is based on two alleles in a region of good sequence coverage so the variant is presumed to be rare. Based on the limited evidence, the p.Ala213Gly variant is classified as a variant of uncertain significance for STAT5B-related growth hormone insensitivity syndrome.

Labcorp Genetics (formerly Invitae), Labcorp
Classification: Uncertain significance for Growth hormone insensitivity with immune dysregulation 1, autosomal recessive. Last evaluated: 2021-06-24. Review status: criteria provided, single submitter. Criteria: Invitae Variant Classification Sherloc (09022015). Collection method: clinical testing. Allele origin: germline.
Comment: In summary, the available evidence is currently insufficient to determine the role of this variant in disease. Therefore, it has been classified as a Variant of Uncertain Significance. Algorithms developed to predict the effect of missense changes on protein structure and function are either unavailable or do not agree on the potential impact of this missense change (SIFT: "Tolerated"; PolyPhen-2: "Probably Damaging"; Align-GVGD: "Class C0"). This variant has not been reported in the literature in individuals with STAT5B-related conditions. The frequency data for this variant in the population databases is considered unreliable, as metrics indicate poor data quality at this position in the ExAC database. This sequence change replaces alanine with glycine at codon 213 of the STAT5B protein (p.Ala213Gly). The alanine residue is moderately conserved and there is a small physicochemical difference between alanine and glycine.

NM_012448.4(STAT5B):c.638C>G (p.Ala213Gly)

Gene: STAT5B (signal transducer and activator of transcription 5B; minus strand). Cytogenetic location: 17q21.2.
Variant type: single nucleotide variant.
Coding change: c.638C>G on transcript NM_012448.4 (MANE Select); coding-DNA position 638, C replaced by G.
Protein change: p.Ala213Gly; replaces alanine 213 with glycine.
Molecular consequence: missense variant.
Genome position (GRCh38, 1-based): chr17:42,219,755, G>C on the plus strand (C>G on the coding strand, the complement: STAT5B is on the minus strand). VCF-style: chr17-42219755-G-C. GRCh37 (hg19) VCF-style: chr17-40371773-G-C.
Other names: short protein forms A213G.
Identifiers: ClinVar variation 1039656 (VCV001039656.12), dbSNP rs762397922, ClinGen allele CA8574223.
Genomic context (GRCh38, chr17:42,219,755, plus strand): 5'-CCCAGGACCCCACTCACCACGCGGTACTGCTGCAGTGTCTGTGCCTCACGCTGCAACCAG[G>C]CCTCCAGAGACACCTGCTTCTGCTGGAGGGCCGTCTCCCGGCTCAGACGCTCCTGGGGGC-3'
Protein context (NP_036580.2, residues 203-223): ALQQKQVSLE[Ala213Gly]WLQREAQTLQ